The following is an entry in ClinVar:

NM_001360.3(DHCR7):c.832-1G>C

Gene: DHCR7 (7-dehydrocholesterol reductase; minus strand). Cytogenetic location: 11q13.4.
Variant type: single nucleotide variant.
Coding change: c.832-1G>C on transcript NM_001360.3 (MANE Select); the canonical splice acceptor site of the intron before coding-DNA position 832, G replaced by C.
Molecular consequence: splice acceptor variant.
Genome position (GRCh38, 1-based): chr11:71,437,944, C>G on the plus strand (G>C on the coding strand, the complement: DHCR7 is on the minus strand). VCF-style: chr11-71437944-C-G. GRCh37 (hg19) VCF-style: chr11-71148990-C-G.
Other names: c.832-1G>C (NM_001425120.1, NM_001425109.1, NM_001163817.2 and 7 more transcripts); c.736-1G>C (NM_001425114.1, NM_001425116.1); c.772-1G>C (NM_001425113.1); c.883-1G>C (NM_001425107.1); c.868-1G>C (NM_001425108.1); c.658-1G>C (NM_001425117.1).
Identifiers: ClinVar variation 6776 (VCV000006776.4), ClinGen allele CA340608.

ClinVar aggregate classification (germline): Likely pathogenic. Review status: criteria provided, single submitter (1 of 4 stars). 2 submissions from 2 submitters: Likely pathogenic (1). 1 of the submissions does not count toward it. Last evaluated 2025-07-21.

Conditions:
Smith-Lemli-Opitz syndrome (SLOS). Also called: 7-Dehydrocholesterol reductase deficiency; LETHAL ACRODYSGENITAL SYNDROME; POLYDACTYLY, SEX REVERSAL, RENAL HYPOPLASIA, AND UNILOBAR LUNG; RSH SYNDROME; RUTLEDGE LETHAL MULTIPLE CONGENITAL ANOMALY SYNDROME. Identifiers: Orphanet 818, MedGen C0175694, MONDO:0010035, OMIM 270400.

Submissions (2):

Natera, Inc.
Classification: Likely pathogenic for Smith-Lemli-Opitz syndrome. Last evaluated: 2025-07-21. Review status: criteria provided, single submitter. Criteria: Natera Variant Classification Schema (03/2026). Collection method: clinical testing. Allele origin: germline.
Comment: The c.832-1G>C variant in DHCR7 is a canonical splice acceptor site variant predicted to affect pre-mRNA splicing, which may result in an abnormal transcript and altered protein product. This variant is expected to result in nonsense mediated decay, truncation, or a dysfunctional protein product. This variant is rare in the general population with a frequency below the threshold expected for the associated phenotype(s). Given the available evidence, this variant is classified as Likely Pathogenic.

GeneReviews
No classification provided. Condition: Smith-Lemli-Opitz syndrome. Review status: no classification provided. Collection method: literature only. Allele origin: unknown. Not counted in ClinVar's aggregate classification.

Literature cited by the submitters: PubMed 10677299 (cited by GeneReviews); PubMed 10710236 (cited by GeneReviews); PubMed 10995508 (cited by GeneReviews); PubMed 11175299 (cited by GeneReviews); PubMed 11298379 (cited by GeneReviews); PubMed 11562938 (cited by GeneReviews); PubMed 12794707 (cited by GeneReviews); PubMed 15952211 (cited by GeneReviews); PubMed 16207203 (cited by GeneReviews); PubMed 17965227 (cited by GeneReviews); PubMed 9634533 (cited by GeneReviews); PubMed 9683613 (cited by GeneReviews); PubMed 20301322 (cited by GeneReviews); NCBI Bookshelf NBK1143 (cited by GeneReviews).